The following is an entry in ClinVar:

NM_000719.7(CACNA1C):c.2404G>A (p.Glu802Lys)

Gene: CACNA1C (calcium voltage-gated channel subunit alpha1 C; plus strand). Cytogenetic location: 12p13.33.
Variant type: single nucleotide variant.
Coding change: c.2404G>A on transcript NM_000719.7 (MANE Select); coding-DNA position 2404, G replaced by A.
Protein change: p.Glu802Lys; replaces glutamic acid 802 with lysine.
Molecular consequence: missense variant.
Genome position (GRCh38, 1-based): chr12:2,585,440, G>A. VCF-style: chr12-2585440-G-A. GRCh37 (hg19) VCF-style: chr12-2694606-G-A.
Other names: c.2404G>A, p.Glu802Lys (NM_001129827.2, NM_001129829.2, NM_001129830.3 and 18 more transcripts); c.2395G>A, p.Glu799Lys (NM_001129844.2); short protein forms E799K, E802K.
Identifiers: ClinVar variation 1695587 (VCV001695587.4), dbSNP rs1555835003, ClinGen allele CA383371745.

ClinVar aggregate classification (germline): Uncertain significance. Review status: criteria provided, multiple submitters, no conflicts (2 of 4 stars). 2 submissions from 2 submitters: Uncertain significance (2). Last evaluated 2025-10-21.

Conditions:
Long QT syndrome (LQTS). Identifiers: MedGen C0023976, MeSH D008133, MONDO:0002442. Disease mechanism: loss of function. Inheritance: Various modes of inheritance.

Allele frequency attached by ClinVar (database versions not stated): gnomAD exomes 0.00001.
gnomAD v4.1: 7 of 1,602,340 alleles (0.00044%); highest among the groups gnomAD compares: South Asian, 0.0011%; no homozygotes.

Submissions (2):

Labcorp Genetics (formerly Invitae), Labcorp
Classification: Uncertain significance for Long QT syndrome. Last evaluated: 2025-10-21. Review status: criteria provided, single submitter. Criteria: Invitae Variant Classification Sherloc (09022015). Collection method: clinical testing. Allele origin: germline.
Comment: This sequence change replaces glutamic acid, which is acidic and polar, with lysine, which is basic and polar, at codon 802 of the CACNA1C protein (p.Glu802Lys). This variant is not present in population databases (gnomAD no frequency). This variant has not been reported in the literature in individuals affected with CACNA1C-related conditions. ClinVar contains an entry for this variant (Variation ID: 1695587). Invitae Evidence Modeling of protein sequence and biophysical properties (such as structural, functional, and spatial information, amino acid conservation, physicochemical variation, residue mobility, and thermodynamic stability) indicates that this missense variant is not expected to disrupt CACNA1C protein function with a negative predictive value of 95%. In summary, the available evidence is currently insufficient to determine the role of this variant in disease. Therefore, it has been classified as a Variant of Uncertain Significance.

GeneDx
Classification: Uncertain significance. Last evaluated: 2024-07-16. Review status: criteria provided, single submitter. Criteria: GeneDx Variant Classification Process June 2021. Collection method: clinical testing. Allele origin: germline. Affected: yes.
Comment: Not observed at significant frequency in large population cohorts (gnomAD); In silico analysis indicates that this missense variant does not alter protein structure/function; Has not been previously published as pathogenic or benign to our knowledge